The following is an entry in ClinVar:

NM_005732.4(RAD50):c.2908G>A (p.Asp970Asn)

Gene: RAD50 (RAD50 double strand break repair protein; plus strand). Cytogenetic location: 5q31.1.
Variant type: single nucleotide variant.
Coding change: c.2908G>A on transcript NM_005732.4 (MANE Select); coding-DNA position 2908, G replaced by A.
Protein change: p.Asp970Asn; replaces aspartic acid 970 with asparagine.
Molecular consequence: missense variant.
Genome position (GRCh38, 1-based): chr5:132,609,195, G>A. VCF-style: chr5-132609195-G-A. GRCh37 (hg19) VCF-style: chr5-131944887-G-A.
Other names: short protein forms D970N.
Identifiers: ClinVar variation 4830096 (VCV004830096.1).

ClinVar aggregate classification (germline): Uncertain significance (1 of 4 stars; one submission).

Conditions:
Hereditary cancer-predisposing syndrome. Also called: Neoplastic Syndromes, Hereditary; Tumor predisposition; Hereditary Cancer Syndrome; Hereditary neoplastic syndrome. Identifiers: Orphanet 140162, MedGen C0027672, MeSH D009386, MONDO:0015356.

gnomAD v4.1: 1 of 1,611,676 alleles (0.000062%); highest among the groups gnomAD compares: Non-Finnish European, 0.000085%; no homozygotes.

Submission:

Ambry Genetics
Classification: Uncertain significance for Hereditary cancer-predisposing syndrome. Last evaluated: 2026-01-10. Review status: criteria provided, single submitter. Criteria: Ambry Variant Classification Scheme 2023. Collection method: clinical testing. Allele origin: germline.
Comment: The p.D970N variant (also known as c.2908G>A), located in coding exon 18 of the RAD50 gene, results from a G to A substitution at nucleotide position 2908. The aspartic acid at codon 970 is replaced by asparagine, an amino acid with highly similar properties. This amino acid position is conserved. In addition, this alteration is predicted to be tolerated by in silico analysis. Based on the available evidence, the clinical significance of this variant remains unclear.